The following is an entry in ClinVar:

NM_025179.4(PLXNA2):c.3762C>G (p.Ile1254Met)

Gene: PLXNA2 (plexin A2; minus strand). Cytogenetic location: 1q32.2.
Variant type: single nucleotide variant.
Coding change: c.3762C>G on transcript NM_025179.4 (MANE Select); coding-DNA position 3762, C replaced by G.
Protein change: p.Ile1254Met; replaces isoleucine 1254 with methionine.
Molecular consequence: missense variant.
Genome position (GRCh38, 1-based): chr1:208,044,620, G>C on the plus strand (C>G on the coding strand, the complement: PLXNA2 is on the minus strand). VCF-style: chr1-208044620-G-C. GRCh37 (hg19) VCF-style: chr1-208217965-G-C.
Other names: short protein forms I1254M.
Identifiers: ClinVar variation 1970979 (VCV001970979.5), dbSNP rs2526474955, ClinGen allele CA344563531.

ClinVar aggregate classification (germline): Uncertain significance (1 of 4 stars; one submission).

Submission:

Labcorp Genetics (formerly Invitae), Labcorp
Classification: Uncertain significance. Last evaluated: 2022-06-25. Review status: criteria provided, single submitter. Criteria: Invitae Variant Classification Sherloc (09022015). Collection method: clinical testing. Allele origin: germline.
Comment: This sequence change replaces isoleucine, which is neutral and non-polar, with methionine, which is neutral and non-polar, at codon 1254 of the PLXNA2 protein (p.Ile1254Met). This variant is not present in population databases (gnomAD no frequency). This variant has not been reported in the literature in individuals affected with PLXNA2-related conditions. Algorithms developed to predict the effect of missense changes on protein structure and function are either unavailable or do not agree on the potential impact of this missense change (SIFT: "Deleterious"; PolyPhen-2: "Benign"; Align-GVGD: "Class C0"). In summary, the available evidence is currently insufficient to determine the role of this variant in disease. Therefore, it has been classified as a Variant of Uncertain Significance.